The following is an entry in ClinVar:

NM_000143.4(FH):c.1109-4G>C

Gene: FH (fumarate hydratase; minus strand). Cytogenetic location: 1q43.
Variant type: single nucleotide variant.
Coding change: c.1109-4G>C on transcript NM_000143.4 (MANE Select); 4 bases into the intron before coding-DNA position 1109, G replaced by C.
Molecular consequence: intron variant.
Genome position (GRCh38, 1-based): chr1:241,502,574, C>G on the plus strand (G>C on the coding strand, the complement: FH is on the minus strand). VCF-style: chr1-241502574-C-G. GRCh37 (hg19) VCF-style: chr1-241665874-C-G.
Other names: c.1109-4G>C (NM_000143.3).
Identifiers: ClinVar variation 2115574 (VCV002115574.6), dbSNP rs959933221, ClinGen allele CA913410873.

ClinVar aggregate classification (germline): Conflicting classifications of pathogenicity. Review status: criteria provided, conflicting classifications (1 of 4 stars). 2 submissions from 2 submitters: Uncertain significance (1); Likely benign (1). Last evaluated 2025-06-11.

Conditions:
Hereditary cancer-predisposing syndrome. Also called: Neoplastic Syndromes, Hereditary; Tumor predisposition; Hereditary Cancer Syndrome; Hereditary neoplastic syndrome. Identifiers: Orphanet 140162, MedGen C0027672, MeSH D009386, MONDO:0015356.

Submissions (2):

Labcorp Genetics (formerly Invitae), Labcorp
Classification: Likely benign. Last evaluated: 2025-06-11. Review status: criteria provided, single submitter. Criteria: Invitae Variant Classification Sherloc (09022015). Collection method: clinical testing. Allele origin: germline.

Ambry Genetics
Classification: Uncertain significance for Hereditary cancer-predisposing syndrome. Last evaluated: 2022-11-17. Review status: criteria provided, single submitter. Criteria: Ambry Variant Classification Scheme 2023. Collection method: clinical testing. Allele origin: germline.
Comment: The c.1109-4G>C intronic variant results from a G to C substitution 4 nucleotides upstream from coding exon 8 in the FH gene. This nucleotide position is not well conserved in available vertebrate species. In silico splice site analysis for this alteration is inconclusive. Since supporting evidence is limited at this time, the clinical significance of this alteration remains unclear.